The following is an entry in ClinVar:

NM_001352027.3(PHF21A):c.223C>T (p.Gln75Ter)

Gene: PHF21A (PHD finger protein 21A; minus strand). Cytogenetic location: 11p11.2.
Variant type: single nucleotide variant.
Coding change: c.223C>T on transcript NM_001352027.3 (MANE Select); coding-DNA position 223, C replaced by T.
Protein change: p.Gln75Ter; replaces glutamine 75 with a stop codon.
Molecular consequence: nonsense. On other transcripts: non-coding transcript variant (2).
Genome position (GRCh38, 1-based): chr11:45,979,897, G>A on the plus strand (C>T on the coding strand, the complement: PHF21A is on the minus strand). VCF-style: chr11-45979897-G-A. GRCh37 (hg19) VCF-style: chr11-46001448-G-A.
Other names: c.223C>T, p.Gln75Ter (NM_001101802.3, NM_001352025.3, NM_001352026.3 and 6 more transcripts); short protein forms Q75*.
Identifiers: ClinVar variation 3383422 (VCV003383422.9).

ClinVar aggregate classification (germline): Pathogenic. Review status: criteria provided, multiple submitters, no conflicts (2 of 4 stars). 2 submissions from 2 submitters: Pathogenic (2). Last evaluated 2025-04-01.

Submissions (2):

CeGaT Center for Human Genetics Tuebingen
Classification: Pathogenic. Last evaluated: 2025-04-01. Review status: criteria provided, single submitter. Criteria: CeGaT Center For Human Genetics Tuebingen Variant Classification Criteria Version 2. Collection method: clinical testing. Allele origin: germline. Affected: yes. Observed: 1 variant allele.
Comment: PHF21A: PVS1, PM2

Centre of Medical Genetics, University Hospital Muenster
Classification: Pathogenic. Last evaluated: 2024-10-23. Review status: criteria provided, single submitter. Criteria: ACMG Guidelines, 2015. Collection method: clinical testing. Allele origin: unknown. Affected: yes. Observed: 1 variant allele, 1 heterozygote.
Comment: ACMG categories: PVS1,PM2_sup,PM6